The following is an entry in ClinVar:

ClinVar aggregate classification (germline): Uncertain significance. Review status: criteria provided, multiple submitters, no conflicts (2 of 4 stars). 2 submissions from 2 submitters: Uncertain significance (2). Last evaluated 2025-09-05.

Conditions:
Progressive sclerosing poliodystrophy (MTDPS4A). Also called: ALPERS PROGRESSIVE INFANTILE POLIODYSTROPHY; Mitochondrial DNA Depletion Syndrome 4A; NEURONAL DEGENERATION OF CHILDHOOD WITH LIVER DISEASE, PROGRESSIVE; Alpers Syndrome; Mitochondrial DNA depletion syndrome 4A (Alpers type); Alpers-Huttenlocher Syndrome (AHS). Identifiers: Orphanet 726, MedGen C0205710, MONDO:0008758, OMIM 203700.

Submissions (2):

Labcorp Genetics (formerly Invitae), Labcorp
Classification: Uncertain significance for Progressive sclerosing poliodystrophy. Last evaluated: 2025-09-05. Review status: criteria provided, single submitter. Criteria: Invitae Variant Classification Sherloc (09022015). Collection method: clinical testing. Allele origin: germline.
Comment: This sequence change creates a premature translational stop signal (p.Gln1214Profs*3) in the POLG gene. While this is not anticipated to result in nonsense mediated decay, it is expected to disrupt the last 26 amino acid(s) of the POLG protein. This variant is not present in population databases (gnomAD no frequency). This variant has not been reported in the literature in individuals affected with POLG-related conditions. ClinVar contains an entry for this variant (Variation ID: 3369476). Experimental studies and prediction algorithms are not available or were not evaluated, and the functional significance of this variant is currently unknown. In summary, the available evidence is currently insufficient to determine the role of this variant in disease. Therefore, it has been classified as a Variant of Uncertain Significance.

GeneDx
Classification: Uncertain significance. Last evaluated: 2025-02-18. Review status: criteria provided, single submitter. Criteria: GeneDx Variant Classification Process June 2021. Collection method: clinical testing. Allele origin: germline.
Comment: Not observed at significant frequency in large population cohorts (gnomAD); Frameshift variant predicted to result in abnormal protein length as the last 26 amino acid(s) are replaced with 2 different amino acid(s); Has not been previously published as pathogenic or benign to our knowledge

NM_002693.3(POLG):c.3640dup (p.Gln1214fs)

Gene: POLG (DNA polymerase gamma, catalytic subunit; minus strand). Cytogenetic location: 15q26.1.
Variant type: Duplication.
Coding change: c.3640dup on transcript NM_002693.3 (MANE Select); coding-DNA position 3640, one base duplicated (C; older notation c.3640dupC).
Protein change: p.Gln1214fs; shifts the reading frame from glutamine 1214.
Molecular consequence: frameshift variant.
Genome position (GRCh38, 1-based): chr15:89,317,379, G duplicated on the plus strand (C on the coding strand, the reverse complement: POLG is on the minus strand); the first of 4 consecutive G bases (chr15:89,317,379-89,317,382); duplicating any one gives the same sequence. VCF-style (leftmost placement, unchanged base first): chr15-89317378-T-TG. GRCh37 (hg19) VCF-style: chr15-89860609-T-TG.
Other names: c.3640dup (NM_002693.2); c.3640dup, p.Gln1214fs (NM_001126131.2); short protein forms Q1214fs.
Identifiers: ClinVar variation 3369476 (VCV003369476.3).
Genomic context (GRCh38, chr15:89,317,378, plus strand): 5'-CACTTTCTAGTCCACCTCAGATCCTATGTGTAATGAGGAACAAATGTGTTGTGCTCACCC[T>TG]GGGGAATCCCGTATCTCCTTTCCATCCCAGTTGGGTTGGAAGGGGTTTTACAATCCATGG-3'